The following is an entry in ClinVar:

NM_144997.7(FLCN):c.206T>G (p.Val69Gly)

Gene: FLCN (folliculin; minus strand). Cytogenetic location: 17p11.2.
Variant type: single nucleotide variant.
Coding change: c.206T>G on transcript NM_144997.7 (MANE Select); coding-DNA position 206, T replaced by G.
Protein change: p.Val69Gly; replaces valine 69 with glycine.
Molecular consequence: missense variant.
Genome position (GRCh38, 1-based): chr17:17,227,932, A>C on the plus strand (T>G on the coding strand, the complement: FLCN is on the minus strand). VCF-style: chr17-17227932-A-C. GRCh37 (hg19) VCF-style: chr17-17131246-A-C.
Other names: c.206T>G, p.Val69Gly (NM_001353229.2, NM_001353230.2, NM_001353231.2 and 1 more transcripts); short protein forms V69G.
Identifiers: ClinVar variation 2092162 (VCV002092162.5), dbSNP rs2145040737, ClinGen allele CA398535103.

ClinVar aggregate classification (germline): Uncertain significance. Review status: criteria provided, multiple submitters, no conflicts (2 of 4 stars). 2 submissions from 2 submitters: Uncertain significance (2). Last evaluated 2026-07-06.

Conditions:
Hereditary cancer-predisposing syndrome. Also called: Tumor predisposition; Hereditary Cancer Syndrome; Hereditary neoplastic syndrome; Neoplastic Syndromes, Hereditary. Identifiers: Orphanet 140162, MedGen C0027672, MeSH D009386, MONDO:0015356.
Birt-Hogg-Dube syndrome. Also called: Birt Hogg Dubé syndrome. Identifiers: Orphanet 122, MedGen C0346010, MONDO:0800444.

Submissions (2):

Ambry Genetics
Classification: Uncertain significance for Hereditary cancer-predisposing syndrome. Last evaluated: 2026-07-06. Review status: criteria provided, single submitter. Criteria: Ambry Variant Classification Scheme 2023. Collection method: clinical testing. Allele origin: germline.
Comment: The p.V69G variant (also known as c.206T>G), located in coding exon 1 of the FLCN gene, results from a T to G substitution at nucleotide position 206. The valine at codon 69 is replaced by glycine, an amino acid with dissimilar properties. This amino acid position is conserved. In addition, this alteration is predicted to be tolerated by in silico analysis. Based on the available evidence, the clinical significance of this variant remains unclear.

Labcorp Genetics (formerly Invitae), Labcorp
Classification: Uncertain significance for Birt-Hogg-Dube syndrome. Last evaluated: 2022-05-21. Review status: criteria provided, single submitter. Criteria: Invitae Variant Classification Sherloc (09022015). Collection method: clinical testing. Allele origin: germline.
Comment: In summary, the available evidence is currently insufficient to determine the role of this variant in disease. Therefore, it has been classified as a Variant of Uncertain Significance. Algorithms developed to predict the effect of missense changes on protein structure and function (SIFT, PolyPhen-2, Align-GVGD) all suggest that this variant is likely to be tolerated. This variant has not been reported in the literature in individuals affected with FLCN-related conditions. This variant is not present in population databases (gnomAD no frequency). This sequence change replaces valine, which is neutral and non-polar, with glycine, which is neutral and non-polar, at codon 69 of the FLCN protein (p.Val69Gly).